The following is an entry in ClinVar:

NM_000307.5(POU3F4):c.101_104dup (p.Gln35fs)

Gene: POU3F4 (POU class 3 homeobox 4; plus strand). Cytogenetic location: Xq21.1.
Variant type: Duplication.
Coding change: c.101_104dup on transcript NM_000307.5 (MANE Select); coding-DNA positions 101 to 104, 4 bases duplicated (CTCA; older notation c.101_104dupCTCA).
Protein change: p.Gln35fs; shifts the reading frame from glutamine 35.
Molecular consequence: frameshift variant.
Genome position (GRCh38, 1-based): chrX:83,508,425-83,508,428, CTCA duplicated. VCF-style (leftmost placement, unchanged base first): chrX-83508424-C-CCTCA. GRCh37 (hg19) VCF-style: chrX-82763432-C-CCTCA.
Other names: c.101_104dupCTCA (NM_000307.5); short protein forms Q35fs.
Identifiers: ClinVar variation 3256914 (VCV003256914.3).

ClinVar aggregate classification (germline): Likely pathogenic (0 of 4 stars; one submission).

Conditions:
X-linked mixed hearing loss with perilymphatic gusher. Also called: Gusher syndrome; NANCE DEAFNESS; PERILYMPHATIC GUSHER-DEAFNESS SYNDROME; SENSORINEURAL DEAFNESS, PROFOUND, WITH OR WITHOUT A CONDUCTIVE COMPONENT, ASSOCIATED WITH A UNIQUE DEVELOPMENTAL ABNORMALITY OF THE EAR; Deafness, X-linked 2. Identifiers: Orphanet 383, MedGen C1844678, MONDO:0010576, OMIM 304400.

Submission:

Kunming Children's Hospital, Yunnan Key Laboratory of Children’s Major Disease Research
Classification: Likely pathogenic for X-linked mixed hearing loss with perilymphatic gusher. Review status: no assertion criteria provided. Collection method: research. Allele origin: inherited, not applicable. Inheritance: X-linked inheritance. Affected: yes. Observed: 3 variant alleles, 1 heterozygote, 2 hemizygotes. Functional consequence: protein truncation.
Comment: According to the ACMG guidelines, this variant is classified as a frameshift mutation (zero-effect variant) that potentially leads to loss of gene function (PVS1). In the normal population databases, such as 1000 Genomes database, GnomAD database, EXAC database, mutation frequency was not observed, indicating it’s a low-frequency mutation (PM2). This evidence satisfies both PVS1 and PM2 criteria, supporting the preliminary assessment of this variant as a likely pathogenic mutation.